The following is an entry in ClinVar:

NM_001124758.3(SPNS2):c.726-3C>T

Gene: SPNS2 (SPNS lysolipid transporter 2, sphingosine-1-phosphate; plus strand). Cytogenetic location: 17p13.2.
Variant type: single nucleotide variant.
Coding change: c.726-3C>T on transcript NM_001124758.3 (MANE Select); 3 bases into the intron before coding-DNA position 726, C replaced by T.
Molecular consequence: intron variant.
Genome position (GRCh38, 1-based): chr17:4,531,050, C>T. VCF-style: chr17-4531050-C-T. GRCh37 (hg19) VCF-style: chr17-4434345-C-T.
Other names: NC_000017.10:g.4434345C>T.
Identifiers: ClinVar variation 3037940 (VCV003037940.3), dbSNP rs72830093, ClinGen allele CA8302964.

ClinVar aggregate classification (germline): Benign (0 of 4 stars; one submission).

Conditions:
SPNS2-related disorder. Also called: SPNS2-related condition.

Allele frequency attached by ClinVar (database versions not stated): TOPMed 0.01829; gnomAD 0.01896; ESP Exome Variant Server 0.01981; ExAC 0.02019; gnomAD exomes 0.02567; 1000 Genomes Project 30x 0.00828; 1000 Genomes Project 0.00839.
gnomAD v4.1: 40,320 of 1,613,880 alleles (2.5%); highest among the groups gnomAD compares: Non-Finnish European, 2.9%; 541 homozygotes.

Submissions (34):

PreventionGenetics, part of Exact Sciences
Classification: Benign for SPNS2-related condition. Last evaluated: 2020-03-16. Review status: no assertion criteria provided. Collection method: clinical testing. Allele origin: germline.
Comment: This variant is classified as benign based on ACMG/AMP sequence variant interpretation guidelines (Richards et al. 2015 PMID: 25741868, with internal and published modifications).

Dr. Peter K. Rogan Lab, Western University
No classification provided (evidence only). Condition: Clear cell carcinoma of kidney. Review status: no classification provided. Collection method: in vitro. Allele origin: not applicable. Functional consequence: retained intron. Not counted in ClinVar's aggregate classification.

Dr. Peter K. Rogan Lab, Western University
No classification provided (evidence only). Condition: Clear cell carcinoma of kidney. Review status: no classification provided. Collection method: in vitro. Allele origin: not applicable. Functional consequence: retained intron. Not counted in ClinVar's aggregate classification.

Dr. Peter K. Rogan Lab, Western University
No classification provided (evidence only). Condition: Clear cell carcinoma of kidney. Review status: no classification provided. Collection method: in vitro. Allele origin: not applicable. Functional consequence: retained intron. Not counted in ClinVar's aggregate classification.

Dr. Peter K. Rogan Lab, Western University
No classification provided (evidence only). Condition: Clear cell carcinoma of kidney. Review status: no classification provided. Collection method: in vitro. Allele origin: not applicable. Functional consequence: retained intron. Not counted in ClinVar's aggregate classification.

Dr. Peter K. Rogan Lab, Western University
No classification provided (evidence only). Condition: Clear cell carcinoma of kidney. Review status: no classification provided. Collection method: in vitro. Allele origin: not applicable. Functional consequence: retained intron. Not counted in ClinVar's aggregate classification.

Dr. Peter K. Rogan Lab, Western University
No classification provided (evidence only). Condition: Clear cell carcinoma of kidney. Review status: no classification provided. Collection method: in vitro. Allele origin: not applicable. Functional consequence: skipped exon. Not counted in ClinVar's aggregate classification.

Dr. Peter K. Rogan Lab, Western University
No classification provided (evidence only). Condition: Clear cell carcinoma of kidney. Review status: no classification provided. Collection method: in vitro. Allele origin: not applicable. Functional consequence: retained intron. Not counted in ClinVar's aggregate classification.

Dr. Peter K. Rogan Lab, Western University
No classification provided (evidence only). Condition: Lung cancer. Review status: no classification provided. Collection method: in vitro. Allele origin: not applicable. Functional consequence: retained intron. Not counted in ClinVar's aggregate classification.

Dr. Peter K. Rogan Lab, Western University
No classification provided (evidence only). Condition: Lung cancer. Review status: no classification provided. Collection method: in vitro. Allele origin: not applicable. Functional consequence: retained intron. Not counted in ClinVar's aggregate classification.

Dr. Peter K. Rogan Lab, Western University
No classification provided (evidence only). Condition: Acute myeloid leukemia. Review status: no classification provided. Collection method: in vitro. Allele origin: not applicable. Functional consequence: skipped exon, retained intron. Not counted in ClinVar's aggregate classification.

Dr. Peter K. Rogan Lab, Western University
No classification provided (evidence only). Condition: Acute myeloid leukemia. Review status: no classification provided. Collection method: in vitro. Allele origin: not applicable. Functional consequence: retained intron. Not counted in ClinVar's aggregate classification.

Dr. Peter K. Rogan Lab, Western University
No classification provided (evidence only). Condition: Acute myeloid leukemia. Review status: no classification provided. Collection method: in vitro. Allele origin: not applicable. Functional consequence: retained intron. Not counted in ClinVar's aggregate classification.

Dr. Peter K. Rogan Lab, Western University
No classification provided (evidence only). Condition: Acute myeloid leukemia. Review status: no classification provided. Collection method: in vitro. Allele origin: not applicable. Functional consequence: retained intron. Not counted in ClinVar's aggregate classification.

Dr. Peter K. Rogan Lab, Western University
No classification provided (evidence only). Condition: Acute myeloid leukemia. Review status: no classification provided. Collection method: in vitro. Allele origin: not applicable. Functional consequence: retained intron. Not counted in ClinVar's aggregate classification.

Dr. Peter K. Rogan Lab, Western University
No classification provided (evidence only). Condition: Acute myeloid leukemia. Review status: no classification provided. Collection method: in vitro. Allele origin: not applicable. Functional consequence: retained intron. Not counted in ClinVar's aggregate classification.

Dr. Peter K. Rogan Lab, Western University
No classification provided (evidence only). Condition: Colorectal cancer. Review status: no classification provided. Collection method: in vitro. Allele origin: not applicable. Functional consequence: retained intron. Not counted in ClinVar's aggregate classification.

Dr. Peter K. Rogan Lab, Western University
No classification provided (evidence only). Condition: Colorectal cancer. Review status: no classification provided. Collection method: in vitro. Allele origin: not applicable. Functional consequence: retained intron. Not counted in ClinVar's aggregate classification.

Dr. Peter K. Rogan Lab, Western University
No classification provided (evidence only). Condition: Colorectal cancer. Review status: no classification provided. Collection method: in vitro. Allele origin: not applicable. Functional consequence: skipped exon. Not counted in ClinVar's aggregate classification.

Dr. Peter K. Rogan Lab, Western University
No classification provided (evidence only). Condition: Colorectal cancer. Review status: no classification provided. Collection method: in vitro. Allele origin: not applicable. Functional consequence: retained intron. Not counted in ClinVar's aggregate classification.

Dr. Peter K. Rogan Lab, Western University
No classification provided (evidence only). Condition: Colorectal cancer. Review status: no classification provided. Collection method: in vitro. Allele origin: not applicable. Functional consequence: retained intron. Not counted in ClinVar's aggregate classification.

Dr. Peter K. Rogan Lab, Western University
No classification provided (evidence only). Condition: Uterine corpus endometrial carcinoma. Review status: no classification provided. Collection method: in vitro. Allele origin: not applicable. Functional consequence: retained intron. Not counted in ClinVar's aggregate classification.

Dr. Peter K. Rogan Lab, Western University
No classification provided (evidence only). Condition: Cervical cancer. Review status: no classification provided. Collection method: in vitro. Allele origin: not applicable. Functional consequence: retained intron. Not counted in ClinVar's aggregate classification.

Dr. Peter K. Rogan Lab, Western University
No classification provided (evidence only). Condition: Cervical cancer. Review status: no classification provided. Collection method: in vitro. Allele origin: not applicable. Functional consequence: retained intron. Not counted in ClinVar's aggregate classification.

Dr. Peter K. Rogan Lab, Western University
No classification provided (evidence only). Condition: Sarcoma. Review status: no classification provided. Collection method: in vitro. Allele origin: not applicable. Functional consequence: retained intron. Not counted in ClinVar's aggregate classification.

Dr. Peter K. Rogan Lab, Western University
No classification provided (evidence only). Condition: Sarcoma. Review status: no classification provided. Collection method: in vitro. Allele origin: not applicable. Functional consequence: retained intron. Not counted in ClinVar's aggregate classification.

Dr. Peter K. Rogan Lab, Western University
No classification provided (evidence only). Condition: Thymoma. Review status: no classification provided. Collection method: in vitro. Allele origin: not applicable. Functional consequence: retained intron. Not counted in ClinVar's aggregate classification.

Dr. Peter K. Rogan Lab, Western University
No classification provided (evidence only). Condition: Thymoma. Review status: no classification provided. Collection method: in vitro. Allele origin: not applicable. Functional consequence: retained intron. Not counted in ClinVar's aggregate classification.

Dr. Peter K. Rogan Lab, Western University
No classification provided (evidence only). Condition: Ovarian serous cystadenocarcinoma. Review status: no classification provided. Collection method: in vitro. Allele origin: not applicable. Functional consequence: retained intron. Not counted in ClinVar's aggregate classification.

Dr. Peter K. Rogan Lab, Western University
No classification provided (evidence only). Condition: Gastric cancer. Review status: no classification provided. Collection method: in vitro. Allele origin: not applicable. Functional consequence: retained intron. Not counted in ClinVar's aggregate classification.

Dr. Peter K. Rogan Lab, Western University
No classification provided (evidence only). Condition: Malignant tumor of esophagus. Review status: no classification provided. Collection method: in vitro. Allele origin: not applicable. Functional consequence: retained intron. Not counted in ClinVar's aggregate classification.

Dr. Peter K. Rogan Lab, Western University
No classification provided (evidence only). Condition: Malignant tumor of esophagus. Review status: no classification provided. Collection method: in vitro. Allele origin: not applicable. Functional consequence: retained intron. Not counted in ClinVar's aggregate classification.

Dr. Peter K. Rogan Lab, Western University
No classification provided (evidence only). Condition: Malignant tumor of esophagus. Review status: no classification provided. Collection method: in vitro. Allele origin: not applicable. Functional consequence: retained intron. Not counted in ClinVar's aggregate classification.

Dr. Peter K. Rogan Lab, Western University
No classification provided (evidence only). Condition: Malignant tumor of esophagus. Review status: no classification provided. Collection method: in vitro. Allele origin: not applicable. Functional consequence: retained intron. Not counted in ClinVar's aggregate classification.